The following is an entry in ClinVar:

NM_001349.4(DARS1):c.1460G>A (p.Arg487His)

Gene: DARS1 (aspartyl-tRNA synthetase 1; minus strand). Cytogenetic location: 2q21.3.
Variant type: single nucleotide variant.
Coding change: c.1460G>A on transcript NM_001349.4 (MANE Select); coding-DNA position 1460, G replaced by A.
Protein change: p.Arg487His; replaces arginine 487 with histidine.
Molecular consequence: missense variant.
Genome position (GRCh38, 1-based): chr2:135,907,362, C>T on the plus strand (G>A on the coding strand, the complement: DARS1 is on the minus strand). VCF-style: chr2-135907362-C-T. GRCh37 (hg19) VCF-style: chr2-136664932-C-T.
Other names: c.1160G>A, p.Arg387His (NM_001293312.1); short protein forms R387H, R487H.
Identifiers: ClinVar variation 1682544 (VCV001682544.7), dbSNP rs753793246, ClinGen allele CA1889440.

ClinVar aggregate classification (germline): Uncertain significance (1 of 4 stars; one submission).

Allele frequency attached by ClinVar (database versions not stated): TOPMed 0.00001; ExAC 0.00002.
gnomAD v4.1: 10 of 1,602,694 alleles (0.00062%); highest among the groups gnomAD compares: South Asian, 0.0033%; no homozygotes.

Submission:

Labcorp Genetics (formerly Invitae), Labcorp
Classification: Uncertain significance. Last evaluated: 2024-10-22. Review status: criteria provided, single submitter. Criteria: Invitae Variant Classification Sherloc (09022015). Collection method: clinical testing. Allele origin: germline.
Comment: This sequence change replaces arginine, which is basic and polar, with histidine, which is basic and polar, at codon 487 of the DARS protein (p.Arg487His). This variant is present in population databases (rs753793246, gnomAD 0.02%). This variant has not been reported in the literature in individuals affected with DARS-related conditions. ClinVar contains an entry for this variant (Variation ID: 1682544). Invitae Evidence Modeling of protein sequence and biophysical properties (such as structural, functional, and spatial information, amino acid conservation, physicochemical variation, residue mobility, and thermodynamic stability) indicates that this missense variant is expected to disrupt DARS protein function with a positive predictive value of 80%. In summary, the available evidence is currently insufficient to determine the role of this variant in disease. Therefore, it has been classified as a Variant of Uncertain Significance.